The following is an entry in ClinVar:

NM_020693.4(DSCAML1):c.4993C>T (p.Leu1665Phe)

Gene: DSCAML1 (DS cell adhesion molecule like 1; minus strand). Cytogenetic location: 11q23.3.
Variant type: single nucleotide variant.
Coding change: c.4993C>T on transcript NM_020693.4 (MANE Select); coding-DNA position 4993, C replaced by T.
Protein change: p.Leu1665Phe; replaces leucine 1665 with phenylalanine.
Molecular consequence: missense variant.
Genome position (GRCh38, 1-based): chr11:117,433,171, G>A on the plus strand (C>T on the coding strand, the complement: DSCAML1 is on the minus strand). VCF-style: chr11-117433171-G-A. GRCh37 (hg19) VCF-style: chr11-117303887-G-A.
Other names: short protein forms L1665F.
Identifiers: ClinVar variation 2629755 (VCV002629755.1), dbSNP rs1280561851, ClinGen allele CA382756211.

ClinVar aggregate classification (germline): Uncertain significance (1 of 4 stars; one submission).

Conditions:
DSCAML1-related disorder. Also called: DSCAML1-related condition.

Submission:

PreventionGenetics, part of Exact Sciences
Classification: Uncertain significance for DSCAML1-related condition. Last evaluated: 2023-01-22. Review status: criteria provided, single submitter. Criteria: ACMG Guidelines, 2015. Collection method: clinical testing. Allele origin: germline.
Comment: The DSCAML1 c.5173C>T variant is predicted to result in the amino acid substitution p.Leu1725Phe. To our knowledge, this variant has not been reported in the literature or in a large population database, indicating this variant is rare. At this time, the clinical significance of this variant is uncertain due to the absence of conclusive functional and genetic evidence.